The following is an entry in ClinVar:

NM_001365715.1(LRCH3):c.1824C>T (p.Arg608=)

Gene: LRCH3 (leucine rich repeats and calponin homology domain containing 3; plus strand). Cytogenetic location: 3q29.
Variant type: single nucleotide variant.
Coding change: c.1824C>T on transcript NM_001365715.1 (MANE Select); coding-DNA position 1824, C replaced by T.
Protein change: p.Arg608=; no amino-acid change (arginine 608 retained).
Molecular consequence: synonymous variant. On other transcripts: intron variant (2).
Genome position (GRCh38, 1-based): chr3:197,866,170, C>T. VCF-style: chr3-197866170-C-T. GRCh37 (hg19) VCF-style: chr3-197593041-C-T.
Other names: c.1824C>T, p.Arg608= (NM_001363887.1, NM_032773.4); c.1752C>T, p.Arg584= (NM_001365717.1); c.1765+699C>T (NM_001365716.1, NM_001365718.1).
Identifiers: ClinVar variation 3058043 (VCV003058043.2), dbSNP rs761935258, ClinGen allele CA2788530.

ClinVar aggregate classification (germline): Likely benign (0 of 4 stars; one submission).

Conditions:
LRCH3-related disorder. Also called: LRCH3-related condition.

Allele frequency attached by ClinVar (database versions not stated): gnomAD exomes 0.00003; ExAC 0.00004; gnomAD 0.00004; TOPMed 0.00004.
gnomAD v4.1: 53 of 1,614,136 alleles (0.0033%); highest among the groups gnomAD compares: Middle Eastern, 0.12%; no homozygotes.

Submission:

PreventionGenetics, part of Exact Sciences
Classification: Likely benign for LRCH3-related condition. Last evaluated: 2019-04-25. Review status: no assertion criteria provided. Collection method: clinical testing. Allele origin: germline.
Comment: This variant is classified as likely benign based on ACMG/AMP sequence variant interpretation guidelines (Richards et al. 2015 PMID: 25741868, with internal and published modifications).